The following is an entry in ClinVar:

ClinVar aggregate classification (germline): Uncertain significance (1 of 4 stars; one submission).

Submission:

Labcorp Genetics (formerly Invitae), Labcorp
Classification: Uncertain significance. Last evaluated: 2022-05-30. Review status: criteria provided, single submitter. Criteria: Invitae Variant Classification Sherloc (09022015). Collection method: clinical testing. Allele origin: germline.
Comment: In summary, the available evidence is currently insufficient to determine the role of this variant in disease. Therefore, it has been classified as a Variant of Uncertain Significance. Experimental studies and prediction algorithms are not available or were not evaluated, and the functional significance of this variant is currently unknown. This variant has not been reported in the literature in individuals affected with HMCN1-related conditions. This variant is a gross deletion of the genomic region encompassing exon(s) 104-107 of the HMCN1 gene, which includes the termination codon. This deletion extends beyond the assayed region for this gene and therefore may encompass additional genes. While this deletion is not anticipated to lead to nonsense mediated decay, it is expected to alter mRNA translation or result in a truncated protein product.

NC_000001.10:g.(?_186147528)_(186159010_?)del

Gene: HMCN1 (hemicentin 1; plus strand). Cytogenetic location: 1q31.1.
Variant type: Deletion.
Identifiers: ClinVar variation 2426992 (VCV002426992.4).